The following is an entry in ClinVar:

ClinVar aggregate classification (germline): Uncertain significance (1 of 4 stars; one submission).

Submission:

GeneDx
Classification: Uncertain significance. Last evaluated: 2024-10-15. Review status: criteria provided, single submitter. Criteria: GeneDx Variant Classification Process June 2021. Collection method: clinical testing. Allele origin: germline. Affected: yes.
Comment: Not observed at significant frequency in large population cohorts (gnomAD); In silico analysis supports that this missense variant has a deleterious effect on protein structure/function; Has not been previously published as pathogenic or benign to our knowledge

NM_001349338.3(FOXP1):c.1478A>T (p.Asn493Ile)

Genes: FOXP1 (forkhead box P1; minus strand), LOC126806714 (BRD4-independent group 4 enhancer GRCh37_chr3:71025197-71026396; plus strand). Cytogenetic location: 3p13.
Variant type: single nucleotide variant.
Coding change: c.1478A>T on transcript NM_001349338.3 (MANE Select); coding-DNA position 1478, A replaced by T.
Protein change: p.Asn493Ile; replaces asparagine 493 with isoleucine.
Molecular consequence: missense variant. On other transcripts: non-coding transcript variant (2).
Genome position (GRCh38, 1-based): chr3:70,976,993, T>A on the plus strand (A>T on the coding strand, the complement: FOXP1 is on the minus strand). VCF-style: chr3-70976993-T-A. GRCh37 (hg19) VCF-style: chr3-71026144-T-A.
Other names: c.1475A>T, p.Asn492Ile (NM_001244808.3, NM_001349341.3); c.1478A>T, p.Asn493Ile (NM_001244810.2, NM_001244814.3, NM_001244816.2 and 2 more transcripts); c.1250A>T, p.Asn417Ile (NM_001244812.3); c.1178A>T, p.Asn393Ile (NM_001244813.3, NM_001244815.2, NM_001349342.3); c.1175A>T, p.Asn392Ile (NM_001349337.2, NM_001349343.3, NM_001349344.3 and 1 more transcripts); short protein forms N417I, N492I, N393I, N493I, N392I.
Identifiers: ClinVar variation 3781146 (VCV003781146.1).